The following is an entry in ClinVar:

NM_001197104.2(KMT2A):c.4429CGT[1] (p.Arg1478del)

Gene: KMT2A (lysine methyltransferase 2A; plus strand). Cytogenetic location: 11q23.3.
Variant type: Microsatellite.
Coding change: c.4429CGT[1] on transcript NM_001197104.2 (MANE Select); one copy of the 3-base unit CGT starting at c.4429; the reference has two copies in a row; one copy, 3 bases deleted; also written c.4432_4434del.
Protein change: p.Arg1478del; deletes arginine 1478.
Molecular consequence: inframe deletion.
Genome position (GRCh38, 1-based): chr11:118,488,713-118,488,715, CGT deleted; deleting any 3 consecutive bases within chr11:118,488,708-118,488,715 gives the same sequence; the position shown is the placement nearest the transcript's 3' end. VCF-style (leftmost placement, unchanged base first): chr11-118488707-TGTC-T. GRCh37 (hg19) VCF-style: chr11-118359422-TGTC-T.
Other names: c.4432_4434delCGT (NM_001197104.1); c.4432_4434del (NM_001197104.2); c.4429CGT[1], p.Arg1478del (NM_005933.4); short protein forms R1478del.
Identifiers: ClinVar variation 802800 (VCV000802800.6), dbSNP rs1591393351, ClinGen allele CA645589852.
Genomic context (GRCh38, chr11:118,488,707, plus strand): 5'-CACAAGTTTTGTTTAGAGGAGAACGAGCGCCCTCTGGAGGACCAGCTGGAAAATTGGTGT[TGTC>T]GTCGTTGCAAATTCTGTCACGTTTGTGGAAGGCAACATCAGGCTACAAAGGTACAAAACT-3'

ClinVar aggregate classification (germline): Pathogenic/Likely pathogenic. Review status: criteria provided, multiple submitters, no conflicts (2 of 4 stars). 5 submissions from 5 submitters: Pathogenic (2); Likely pathogenic (3). Last evaluated 2025-11-05.

Conditions:
Wiedemann-Steiner syndrome (WDSTS). Also called: Growth deficiency and mental retardation with facial dysmorphism. Identifiers: Orphanet 319182, MedGen C1854630, MONDO:0011518, OMIM 605130.
Inborn genetic diseases. Identifiers: MedGen C0950123, MeSH D030342.

Submissions (5):

3billion
Classification: Likely pathogenic for Wiedemann-Steiner syndrome. Last evaluated: 2025-11-05. Review status: criteria provided, single submitter. Criteria: ACMG Guidelines, 2015. Collection method: clinical testing. Allele origin: germline. Affected: yes.
Comment: The variant is not observed in the gnomAD v4.1.0 dataset. Predicted Consequence/Location: Inframe deletion located in a nonrepeat region: predicted to change the length of the protein and disrupt normal protein function. The variant has been reported at least twice as pathogenic with clinical assertions and evidence for the classification (ClinVar ID: VCV000802800). Therefore, this variant is classified as Likely pathogenic according to the recommendation of ACMG/AMP guideline.

Ambry Genetics
Classification: Pathogenic for Inborn genetic diseases. Last evaluated: 2024-06-14. Review status: criteria provided, single submitter. Criteria: Ambry Variant Classification Scheme 2023. Collection method: clinical testing. Allele origin: germline.
Comment: The c.4432_4434delCGT (p.R1478del) alteration, located in coding exon 11 of the KMT2A gene, results from an in-frame deletion of 3 nucleotides at nucleotide positions 4432 to 4434. This results in the deletion of an arginine residue at codon 1478. This variant was not reported in population-based cohorts in the Genome Aggregation Database (gnomAD). This variant has been detected in multiple individuals with features consistent with Wiedemann-Steiner syndrome, including a case with reported de novo occurrence (external communication, 2024). This amino acid position is highly conserved in available vertebrate species. This alteration is predicted to be deleterious by in silico analysis (Choi, 2012). Based on the available evidence, this alteration is classified as pathogenic.

GeneDx
Classification: Pathogenic. Last evaluated: 2022-12-14. Review status: criteria provided, single submitter. Criteria: GeneDx Variant Classification Process June 2021. Collection method: clinical testing. Allele origin: germline. Affected: yes.
Comment: In-frame deletion of 1 amino acid in a non-repeat region; Observed in a patient reported to have Wiedemann-Steiner syndrome in published literature (Foroutan et al., 2022); Not observed at significant frequency in large population cohorts (gnomAD); In silico analysis supports a deleterious effect on protein structure/function; This variant is associated with the following publications: (PMID: 35163737)

Mendelics
Classification: Likely pathogenic for Wiedemann-Steiner syndrome. Last evaluated: 2019-05-28. Review status: criteria provided, single submitter. Criteria: Mendelics Assertion Criteria 2017. Collection method: clinical testing. Allele origin: unknown.

Juno Genomics, Hangzhou Juno Genomics, Inc
Classification: Likely pathogenic for Wiedemann-Steiner syndrome. Review status: criteria provided, single submitter. Criteria: ACMG Guidelines, 2015. Collection method: clinical testing. Allele origin: germline. Affected: yes.
Comment: Absent from controls (or at extremely low frequency if recessive) in Genome Aggregation Database, Exome Sequencing Project, 1000 Genomes Project, or Exome Aggregation Consortium.;Protein length changes due to in-frame deletions/insertions in a non-repeat region or stop-loss variants.;The prevalence of the variant in affected individuals is significantly increased compared to the prevalence in controls.;Patient's phenotype or family history is highly specific for a disease with a single genetic etiology.;Located in a mutational hot spot and/or critical and well-established functional domain (e.g. active site of an enzyme) without benign variation.